The following is an entry in ClinVar:

NM_000204.5(CFI):c.482+7G>A

Gene: CFI (complement factor I; minus strand). Cytogenetic location: 4q25.
Variant type: single nucleotide variant.
Coding change: c.482+7G>A on transcript NM_000204.5 (MANE Select); 7 bases into the intron after coding-DNA position 482, G replaced by A.
Molecular consequence: intron variant.
Genome position (GRCh38, 1-based): chr4:109,764,530, C>T on the plus strand (G>A on the coding strand, the complement: CFI is on the minus strand). VCF-style: chr4-109764530-C-T. GRCh37 (hg19) VCF-style: chr4-110685686-C-T.
Other names: p.?; c.482+7G>A (NM_001375282.1, NM_001375280.1, NM_001375281.1 and 6 more transcripts); c.-127-2838G>A (NM_001375284.1).
Identifiers: ClinVar variation 1533517 (VCV001533517.11), dbSNP rs765922749, ClinGen allele CA3042262.

ClinVar aggregate classification (germline): Likely benign. Review status: criteria provided, multiple submitters, no conflicts (2 of 4 stars). 4 submissions from 4 submitters: Likely benign (4). Last evaluated 2025-11-27.

Conditions:
Atypical hemolytic-uremic syndrome with I factor anomaly. Also called: HEMOLYTIC UREMIC SYNDROME, ATYPICAL, SUSCEPTIBILITY TO, 3; AHUS, SUSCEPTIBILITY TO, 3. Identifiers: Orphanet 2134, MedGen C2752039, MONDO:0013041, OMIM 612923.
Age related macular degeneration 13. Identifiers: MedGen C3809523, MONDO:0014189, OMIM 615439.
Factor I deficiency (CFID). Also called: Complement factor I deficiency. Identifiers: Orphanet 200418, MedGen C3463916, MONDO:0012594, OMIM 610984.

Allele frequency attached by ClinVar (database versions not stated): TOPMed 0.00004; gnomAD 0.00005 and 0.00006.
gnomAD v4.1: 186 of 1,613,816 alleles (0.012%); highest among the groups gnomAD compares: Non-Finnish European, 0.013%; no homozygotes.

Submissions (4):

Labcorp Genetics (formerly Invitae), Labcorp
Classification: Likely benign. Last evaluated: 2025-11-27. Review status: criteria provided, single submitter. Criteria: Invitae Variant Classification Sherloc (09022015). Collection method: clinical testing. Allele origin: germline.

Mayo Clinic Laboratories, Mayo Clinic
Classification: Likely benign. Last evaluated: 2025-04-28. Review status: criteria provided, single submitter. Criteria: ACMG Guidelines, 2015. Collection method: clinical testing. Allele origin: germline. Observed: 1 variant allele.
Comment: BP4, BP7

Blueprint Genetics
Classification: Likely benign. Last evaluated: 2024-05-31. Review status: criteria provided, single submitter. Criteria: ACMG Guidelines, 2015. Collection method: clinical testing. Allele origin: germline.

Fulgent Genetics
Classification: Likely benign for Factor I deficiency; Atypical hemolytic-uremic syndrome with I factor anomaly; Age related macular degeneration 13. Last evaluated: 2022-02-18. Review status: criteria provided, single submitter. Criteria: ACMG Guidelines, 2015. Collection method: clinical testing. Allele origin: unknown.